The following is an entry in ClinVar:

ClinVar aggregate classification (germline): Benign. Review status: criteria provided, multiple submitters, no conflicts (2 of 4 stars). 2 submissions from 2 submitters: Benign (2). Last evaluated 2018-01-13.

Conditions:
Factor 5 and Factor VIII, combined deficiency of, 2. Identifiers: Orphanet 35909, MedGen C3150889, MONDO:0013331, OMIM 613625.

Allele frequency attached by ClinVar (database versions not stated): 1000 Genomes Project 0.65954; 1000 Genomes Project 30x 0.66958; gnomAD 0.72599 and 0.73719; TOPMed 0.72620; gnomAD exomes 0.75000.
gnomAD v4.1: 110,371 of 152,152 alleles (73%); highest among the groups gnomAD compares: African/African-American, 90%; 41,424 homozygotes.

Submissions (2):

Illumina Laboratory Services, Illumina
Classification: Benign for Factor 5 and Factor VIII, combined deficiency of, 2. Last evaluated: 2018-01-13. Review status: criteria provided, single submitter. Criteria: ICSL Variant Classification Criteria 13 December 2019. Collection method: clinical testing. Allele origin: germline.
Comment: This variant was observed in the ICSL laboratory as part of a predisposition screen in an ostensibly healthy population. It had not been previously curated by ICSL or reported in the Human Gene Mutation Database (HGMD: prior to June 1st, 2018), and was therefore a candidate for classification through an automated scoring system. Utilizing variant allele frequency, disease prevalence and penetrance estimates, and inheritance mode, an automated score was calculated to assess if this variant is too frequent to cause the disease. Based on the score and internal cut-off values, a variant classified as benign is not then subjected to further curation. The score for this variant resulted in a classification of benign for this disease.

Breakthrough Genomics
Classification: Benign. Review status: criteria provided, single submitter. Criteria: ACMG Guidelines, 2015. Collection method: not provided. Allele origin: germline. Inheritance: Unknown mechanism. Affected: yes.

NM_139279.6(MCFD2):c.*1752T>C

Genes: MCFD2 (multiple coagulation factor deficiency 2, ER cargo receptor complex subunit; minus strand), MCFD2-AS1 (MCFD2 antisense RNA 1; plus strand). Cytogenetic location: 2p21.
Variant type: single nucleotide variant.
Coding change: c.*1752T>C on transcript NM_139279.6 (MANE Select); 1752 bases downstream of the stop codon, T replaced by C.
Molecular consequence: 3 prime UTR variant.
Genome position (GRCh38, 1-based): chr2:46,903,711, A>G on the plus strand (T>C on the coding strand, the complement: MCFD2 is on the minus strand). VCF-style: chr2-46903711-A-G. GRCh37 (hg19) VCF-style: chr2-47130850-A-G.
Other names: c.*1752T>C (NM_001171506.2, NM_001171507.2, NM_001171508.2 and 3 more transcripts).
Identifiers: ClinVar variation 336351 (VCV000336351.6), dbSNP rs6544935, ClinGen allele CA10614004.